The following is an entry in ClinVar:

NM_012469.4(PRPF6):c.491G>A (p.Gly164Asp)

Gene: PRPF6 (pre-mRNA processing factor 6; plus strand). Cytogenetic location: 20q13.33.
Variant type: single nucleotide variant.
Coding change: c.491G>A on transcript NM_012469.4 (MANE Select); coding-DNA position 491, G replaced by A.
Protein change: p.Gly164Asp; replaces glycine 164 with aspartic acid.
Molecular consequence: missense variant.
Genome position (GRCh38, 1-based): chr20:63,994,968, G>A. VCF-style: chr20-63994968-G-A. GRCh37 (hg19) VCF-style: chr20-62626321-G-A.
Other names: short protein forms G164D.
Identifiers: ClinVar variation 2750177 (VCV002750177.3), dbSNP rs2517617358, ClinGen allele CA409715482.

ClinVar aggregate classification (germline): Uncertain significance (1 of 4 stars; one submission).

Submission:

Labcorp Genetics (formerly Invitae), Labcorp
Classification: Uncertain significance. Last evaluated: 2024-07-11. Review status: criteria provided, single submitter. Criteria: Invitae Variant Classification Sherloc (09022015). Collection method: clinical testing. Allele origin: germline.
Comment: This sequence change replaces glycine, which is neutral and non-polar, with aspartic acid, which is acidic and polar, at codon 164 of the PRPF6 protein (p.Gly164Asp). This variant is not present in population databases (gnomAD no frequency). This variant has not been reported in the literature in individuals affected with PRPF6-related conditions. Advanced modeling of protein sequence and biophysical properties (such as structural, functional, and spatial information, amino acid conservation, physicochemical variation, residue mobility, and thermodynamic stability) performed at Invitae indicates that this missense variant is expected to disrupt PRPF6 protein function with a positive predictive value of 80%. In summary, the available evidence is currently insufficient to determine the role of this variant in disease. Therefore, it has been classified as a Variant of Uncertain Significance.